The following is an entry in ClinVar:

NM_003835.4(RGS9):c.1168G>A (p.Ala390Thr)

Gene: RGS9 (regulator of G protein signaling 9; plus strand). Cytogenetic location: 17q24.1.
Variant type: single nucleotide variant.
Coding change: c.1168G>A on transcript NM_003835.4 (MANE Select); coding-DNA position 1168, G replaced by A.
Protein change: p.Ala390Thr; replaces alanine 390 with threonine.
Molecular consequence: missense variant.
Genome position (GRCh38, 1-based): chr17:65,204,266, G>A. VCF-style: chr17-65204266-G-A. GRCh37 (hg19) VCF-style: chr17-63200384-G-A.
Other names: c.1159G>A, p.Ala387Thr (NM_001081955.3, NM_001165933.2); short protein forms A387T, A390T.
Identifiers: ClinVar variation 2088388 (VCV002088388.2), dbSNP rs375023851, ClinGen allele CA293064755.

ClinVar aggregate classification (germline): Uncertain significance (1 of 4 stars; one submission).

Allele frequency attached by ClinVar (database versions not stated): gnomAD exomes below 0.00001.
gnomAD v4.1: 8 of 1,613,706 alleles (0.0005%); highest among the groups gnomAD compares: African/African-American, 0.0013%; no homozygotes.

Submission:

Labcorp Genetics (formerly Invitae), Labcorp
Classification: Uncertain significance. Last evaluated: 2023-08-04. Review status: criteria provided, single submitter. Criteria: Invitae Variant Classification Sherloc (09022015). Collection method: clinical testing. Allele origin: germline.
Comment: This variant is not present in population databases (gnomAD no frequency). This sequence change replaces alanine, which is neutral and non-polar, with threonine, which is neutral and polar, at codon 390 of the RGS9 protein (p.Ala390Thr). This variant has not been reported in the literature in individuals affected with RGS9-related conditions. ClinVar contains an entry for this variant (Variation ID: 2088388). Advanced modeling of protein sequence and biophysical properties (such as structural, functional, and spatial information, amino acid conservation, physicochemical variation, residue mobility, and thermodynamic stability) performed at Invitae indicates that this missense variant is not expected to disrupt RGS9 protein function. In summary, the available evidence is currently insufficient to determine the role of this variant in disease. Therefore, it has been classified as a Variant of Uncertain Significance.